The following is an entry in ClinVar:

ClinVar aggregate classification (germline): Uncertain significance (1 of 4 stars; one submission).

Conditions:
Neutropenia, severe congenital, 2, autosomal dominant. Identifiers: Orphanet 486, MedGen C2751288, MONDO:0013139, OMIM 613107.

Submission:

Labcorp Genetics (formerly Invitae), Labcorp
Classification: Uncertain significance for Neutropenia, severe congenital, 2, autosomal dominant. Last evaluated: 2022-04-02. Review status: criteria provided, single submitter. Criteria: Invitae Variant Classification Sherloc (09022015). Collection method: clinical testing. Allele origin: germline.
Comment: This variant has not been reported in the literature in individuals affected with GFI1-related conditions. This variant is not present in population databases (gnomAD no frequency). This sequence change replaces phenylalanine, which is neutral and non-polar, with leucine, which is neutral and non-polar, at codon 203 of the GFI1 protein (p.Phe203Leu). Algorithms developed to predict the effect of missense changes on protein structure and function output the following: SIFT: "Deleterious"; PolyPhen-2: "Benign"; Align-GVGD: "Class C0". The leucine amino acid residue is found in multiple mammalian species, which suggests that this missense change does not adversely affect protein function. In summary, the available evidence is currently insufficient to determine the role of this variant in disease. Therefore, it has been classified as a Variant of Uncertain Significance.

NM_005263.5(GFI1):c.607T>C (p.Phe203Leu)

Gene: GFI1 (growth factor independent 1 transcriptional repressor; minus strand). Cytogenetic location: 1p22.1.
Variant type: single nucleotide variant.
Coding change: c.607T>C on transcript NM_005263.5 (MANE Select); coding-DNA position 607, T replaced by C.
Protein change: p.Phe203Leu; replaces phenylalanine 203 with leucine.
Molecular consequence: missense variant.
Genome position (GRCh38, 1-based): chr1:92,480,780, A>G on the plus strand (T>C on the coding strand, the complement: GFI1 is on the minus strand). VCF-style: chr1-92480780-A-G. GRCh37 (hg19) VCF-style: chr1-92946337-A-G.
Other names: c.607T>C, p.Phe203Leu (NM_001127215.3, NM_001127216.3); short protein forms F203L.
Identifiers: ClinVar variation 2067958 (VCV002067958.4), dbSNP rs2524725712, ClinGen allele CA341149497.